The following is an entry in ClinVar:

NM_052867.4(NALCN):c.829G>T (p.Ala277Ser)

Gene: NALCN (sodium leak channel, non-selective; minus strand). Cytogenetic location: 13q33.1.
Variant type: single nucleotide variant.
Coding change: c.829G>T on transcript NM_052867.4 (MANE Select); coding-DNA position 829, G replaced by T.
Protein change: p.Ala277Ser; replaces alanine 277 with serine.
Molecular consequence: missense variant.
Genome position (GRCh38, 1-based): chr13:101,292,337, C>A on the plus strand (G>T on the coding strand, the complement: NALCN is on the minus strand). VCF-style: chr13-101292337-C-A. GRCh37 (hg19) VCF-style: chr13-101944688-C-A.
Other names: c.829G>T, p.Ala277Ser (NM_001350748.2, NM_001350749.2, NM_001350750.2 and 1 more transcripts); short protein forms A277S.
Identifiers: ClinVar variation 1176328 (VCV001176328.43), dbSNP rs759934018, ClinGen allele CA7036366.

ClinVar aggregate classification (germline): Uncertain significance. Review status: criteria provided, multiple submitters, no conflicts (2 of 4 stars). 4 submissions from 4 submitters: Uncertain significance (4). Last evaluated 2025-11-27.

Conditions:
Inborn genetic diseases. Identifiers: MedGen C0950123, MeSH D030342.

Allele frequency attached by ClinVar (database versions not stated): gnomAD 0.00001; ExAC 0.00002; TOPMed 0.00003.
gnomAD v4.1: 25 of 1,614,042 alleles (0.0015%); highest among the groups gnomAD compares: Admixed American, 0.012%; no homozygotes.

Submissions (4):

Labcorp Genetics (formerly Invitae), Labcorp
Classification: Uncertain significance. Last evaluated: 2025-11-27. Review status: criteria provided, single submitter. Criteria: Invitae Variant Classification Sherloc (09022015). Collection method: clinical testing. Allele origin: germline.
Comment: This sequence change replaces alanine, which is neutral and non-polar, with serine, which is neutral and polar, at codon 277 of the NALCN protein (p.Ala277Ser). This variant is present in population databases (rs759934018, gnomAD 0.02%). This variant has not been reported in the literature in individuals affected with NALCN-related conditions. ClinVar contains an entry for this variant (Variation ID: 1176328). Invitae Evidence Modeling of protein sequence and biophysical properties (such as structural, functional, and spatial information, amino acid conservation, physicochemical variation, residue mobility, and thermodynamic stability) indicates that this missense variant is not expected to disrupt NALCN protein function with a negative predictive value of 80%. In summary, the available evidence is currently insufficient to determine the role of this variant in disease. Therefore, it has been classified as a Variant of Uncertain Significance.

Ambry Genetics
Classification: Uncertain significance for Inborn genetic diseases. Last evaluated: 2025-02-08. Review status: criteria provided, single submitter. Criteria: Ambry Variant Classification Scheme 2023. Collection method: clinical testing. Allele origin: germline.

GeneDx
Classification: Uncertain significance. Last evaluated: 2021-11-17. Review status: criteria provided, single submitter. Criteria: GeneDx Variant Classification Process June 2021. Collection method: clinical testing. Allele origin: germline. Affected: yes.
Comment: In silico analysis supports that this missense variant does not alter protein structure/function; Has not been previously published as pathogenic or benign to our knowledge

CeGaT Center for Human Genetics Tuebingen
Classification: Uncertain significance. Last evaluated: 2021-04-01. Review status: criteria provided, single submitter. Criteria: CeGaT Center For Human Genetics Tuebingen Variant Classification Criteria Version 2. Collection method: clinical testing. Allele origin: germline. Affected: yes. Observed: 1 variant allele.